The following is an entry in ClinVar:

NM_004006.3(DMD):c.9G>A (p.Trp3Ter)

Gene: DMD (dystrophin; minus strand). Cytogenetic location: Xp21.1.
Variant type: single nucleotide variant.
Coding change: c.9G>A on transcript NM_004006.3 (MANE Select); coding-DNA position 9, G replaced by A.
Protein change: p.Trp3Ter; replaces tryptophan 3 with a stop codon.
Molecular consequence: nonsense. On other transcripts: intron variant (1).
Genome position (GRCh38, 1-based): chrX:33,211,304, C>T on the plus strand (G>A on the coding strand, the complement: DMD is on the minus strand). VCF-style: chrX-33211304-C-T. GRCh37 (hg19) VCF-style: chrX-33229421-C-T.
Other names: NP_003997.1:p.Trp3*; p.W3*:TGG>TGA; c.7+127955G>A (NM_000109.4); short protein forms W3*.
Identifiers: ClinVar variation 29962 (VCV000029962.75), dbSNP rs398122853, ClinGen allele CA259713.
Genomic context (GRCh38, chrX:33,211,304, plus strand): 5'-GCCACAGTAAAATATATTTTTAGTTACTTTGTACTTACAACAGTCCTCTACTTCTTCCCA[C>T]CAAAGCATTTTGAAAAGTGTATATCAAGGCAGCGATAAAAAAAACCTGGTAAAAGTTCTT-3'

ClinVar aggregate classification (germline): Pathogenic. Review status: criteria provided, multiple submitters, no conflicts (2 of 4 stars). 18 submissions from 15 submitters: Pathogenic (14). 4 of the submissions do not count toward it. Last evaluated 2026-02-01.

Conditions:
DMD-related disorder. Also called: DMD-related condition.
Becker muscular dystrophy, Cardiomyopathy, Duchenne muscular dystrophy, Dystrophin deficiency.
Neuromuscular disease caused by qualitative or quantitative defects of dystrophin. Also called: Qualitative or quantitative defects of dystrophin. Identifiers: Orphanet 207085, MedGen C5679787, MONDO:0016147.
Dilated cardiomyopathy 3B (CMD3B). Also called: DMD-Associated Dilated Cardiomyopathy; CMD3B: DMD-Related Dilated Cardiomyopathy; CARDIOMYOPATHY, DILATED, X-LINKED. Identifiers: Orphanet 154, MedGen C3668940, MONDO:0010542, OMIM 302045.
Duchenne muscular dystrophy (DMD). Also called: MUSCULAR DYSTROPHY, PSEUDOHYPERTROPHIC PROGRESSIVE, DUCHENNE TYPE; Duchenne Muscular Dystrophy (DMD). Identifiers: Orphanet 98896, MedGen C0013264, MONDO:0010679, OMIM 310200.
Becker muscular dystrophy (BMD). Also called: MUSCULAR DYSTROPHY, PSEUDOHYPERTROPHIC PROGRESSIVE, BECKER TYPE; Becker Muscular Dystrophy (BMD). Identifiers: Orphanet 98895, MedGen C0917713, MONDO:0010311, OMIM 300376.

Allele frequency attached by ClinVar (database versions not stated): gnomAD exomes below 0.00001.
gnomAD v4.1: 1 of 1,209,169 alleles (0.000083%); highest among the groups gnomAD compares: Non-Finnish European, 0.00011%; no homozygotes.

Submissions (18):

Labcorp Genetics (formerly Invitae), Labcorp
Classification: Pathogenic for Duchenne muscular dystrophy. Last evaluated: 2026-02-01. Review status: criteria provided, single submitter. Criteria: Invitae Variant Classification Sherloc (09022015). Collection method: clinical testing. Allele origin: germline.
Comment: This sequence change creates a premature translational stop signal (p.Trp3*) in the DMD gene. It is expected to result in an absent or disrupted protein product. Loss-of-function variants in DMD are known to be pathogenic (PMID: 16770791, 25007885). This variant is not present in population databases (gnomAD no frequency). This premature translational stop signal has been observed in individual(s) with Becker muscular dystrophy (PMID: 12632325, 19793655, 21396098, 21399986). Invitae Evidence Modeling of clinical and family history, age, sex, and reported ancestry of multiple individuals with this DMD variant has been performed. This variant is expected to be pathogenic with a positive predictive value of at least 99%. This is a validated machine learning model that incorporates the clinical features of 600,801 individuals referred to our laboratory for DMD testing. ClinVar contains an entry for this variant (Variation ID: 29962). For these reasons, this variant has been classified as Pathogenic.

Revvity Omics, Revvity
Classification: Pathogenic. Last evaluated: 2025-07-07. Review status: criteria provided, single submitter. Criteria: ACMG Guidelines, 2015. Collection method: clinical testing. Allele origin: germline.

Natera, Inc.
Classification: Pathogenic for Becker muscular dystrophy, Cardiomyopathy, Duchenne muscular dystrophy, Dystrophin deficiency. Last evaluated: 2024-10-23. Review status: criteria provided, single submitter. Criteria: Natera Variant Classification Schema (03/2026). Collection method: clinical testing. Allele origin: germline.
Comment: The c.9G>A variant in DMD is a nonsense variant predicted to introduce a stop codon at amino acid 3. This variant is expected to result in nonsense mediated decay, truncation, or a dysfunctional protein product. This variant is rare in the general population with a frequency below the threshold expected for the associated phenotype(s). This variant has been observed in affected individual(s) with monoallelic occurrence (heterozygous/hemizygous) (PMID: 21396098). Given the available evidence, this variant is classified as Pathogenic.

Institute of Human Genetics, Clinical Exome/Genome Diagnostics Group, University Hospital Bonn
Classification: Pathogenic. Last evaluated: 2024-06-21. Review status: criteria provided, single submitter. Criteria: ACMG Guidelines, 2015. Collection method: clinical testing. Allele origin: germline.

Blueprint Genetics
Classification: Pathogenic for DMD-related disorders. Last evaluated: 2024-06-06. Review status: criteria provided, single submitter. Criteria: ACMG Guidelines, 2015. Collection method: clinical testing. Allele origin: germline. Affected: yes. Observed: 1 variant allele.

GeneDx
Classification: Pathogenic. Last evaluated: 2023-12-06. Review status: criteria provided, single submitter. Criteria: GeneDx Variant Classification Process June 2021. Collection method: clinical testing. Allele origin: germline. Affected: yes.
Comment: Nonsense variant predicted to result in protein truncation or nonsense mediated decay in a gene for which loss of function is a known mechanism of disease; Not observed in large population cohorts (gnomAD); Based on the understanding of this genetic alteration, it may be amenable to nonsense read-through therapy that is currently available or in clinical trial; This variant is associated with the following publications: (PMID: 21396098, 33420945, 27708273, 23757202, 19206170, 21399986, 31862442, 32453103, 31127727, 30190612, 32194622, 19793655, 12632325)

Baylor Genetics
Classification: Pathogenic for Becker muscular dystrophy. Last evaluated: 2022-12-31. Review status: criteria provided, single submitter. Criteria: ACMG Guidelines, 2015. Collection method: clinical testing. Allele origin: unknown.

MGZ Medical Genetics Center
Classification: Pathogenic for Becker muscular dystrophy. Last evaluated: 2021-07-28. Review status: criteria provided, single submitter. Criteria: ACMG Guidelines, 2015. Collection method: clinical testing. Allele origin: germline. Affected: yes. Observed: 1 variant allele.
Comment: ACMG criteria applied: PVS1, PS3, PS4, PM2_SUP, PP1

Institute of Medical Genetics and Applied Genomics, University Hospital Tübingen
Classification: Pathogenic. Last evaluated: 2021-06-17. Review status: criteria provided, single submitter. Criteria: ACMG Guidelines, 2015. Collection method: clinical testing. Allele origin: germline. Inheritance: X-linked recessive inheritance. Affected: yes.

Women's Health and Genetics/Laboratory Corporation of America, LabCorp
Classification: Pathogenic for Dystrophinopathies. Last evaluated: 2020-10-02. Review status: criteria provided, single submitter. Criteria: LabCorp Variant Classification Summary - May 2015. Collection method: clinical testing. Allele origin: germline.
Comment: Variant summary: DMD c.9G>A (p.Trp3X) results in a premature termination codon, predicted to cause a truncation of the encoded protein or absence of the protein due to nonsense mediated decay, which are commonly known mechanisms for disease. Truncations downstream of this position have been classified as pathogenic by our laboratory. The variant was absent in 178651 control chromosomes. c.9G>A has been reported in the literature in multiple individuals affected with Dystrophinopathies, mainly as Becker Muscular Dystrophy (BMD) (example, Flanigan_2003, Flanigan_2009, Magri_2011, Reddy_2017). These data indicate that the variant is very likely to be associated with disease. At least one publication reports experimental evidence evaluating an impact on protein function. The most pronounced variant effect results in initiation of translation at downstream AUG codons within exon 6 leading to residual dystrophin expression (Gurvich_2009). Six clinical diagnostic laboratories have submitted clinical-significance assessments for this variant to ClinVar after 2014 without evidence for independent evaluation. All laboratories classified the variant as pathogenic. Based on the evidence outlined above, the variant was classified as pathogenic.

CeGaT Center for Human Genetics Tuebingen
Classification: Pathogenic. Last evaluated: 2020-06-01. Review status: criteria provided, single submitter. Criteria: CeGaT Center For Human Genetics Tuebingen Variant Classification Criteria Version 2. Collection method: clinical testing. Allele origin: germline. Affected: yes. Observed: 7 variant alleles.

Athena Diagnostics
Classification: Pathogenic. Last evaluated: 2018-09-04. Review status: criteria provided, single submitter. Criteria: Athena Diagnostics Criteria. Collection method: clinical testing. Allele origin: germline.
Comment: The variant creates a premature nonsense codon, and is therefore predicted to significantly disrupt the protein structure. Found in at least one symptomatic patient, and not found in general population data.

Eurofins Ntd Llc (ga)
Classification: Pathogenic. Last evaluated: 2017-04-25. Review status: criteria provided, single submitter. Criteria: EGL Classification Definitions 2015. Collection method: clinical testing. Allele origin: germline. Observed: 8 variant alleles, 1 heterozygote, 4 homozygotes, 3 hemizygotes.

Baylor Genetics
Classification: Pathogenic for Duchenne muscular dystrophy. Review status: criteria provided, single submitter. Criteria: ACMG Guidelines, 2015. Collection method: clinical testing. Allele origin: germline.

Counsyl
Classification: Pathogenic for Becker muscular dystrophy. Last evaluated: 2019-07-11. Review status: no assertion criteria provided. Collection method: clinical testing. Allele origin: unknown. Not counted in ClinVar's aggregate classification.

Counsyl
Classification: Pathogenic for Dilated cardiomyopathy 3B. Last evaluated: 2019-07-11. Review status: no assertion criteria provided. Collection method: clinical testing. Allele origin: unknown. Not counted in ClinVar's aggregate classification.

Counsyl
Classification: Pathogenic for Duchenne muscular dystrophy. Last evaluated: 2019-07-11. Review status: no assertion criteria provided. Collection method: clinical testing. Allele origin: unknown. Not counted in ClinVar's aggregate classification.

OMIM
Classification: Pathogenic for BECKER MUSCULAR DYSTROPHY. Last evaluated: 2009-04-01. Review status: no assertion criteria provided. Collection method: literature only. Allele origin: germline. Not counted in ClinVar's aggregate classification.

Literature cited by the submitters: PubMed 16770791 (cited by Labcorp Genetics (formerly Invitae), Labcorp); PubMed 25007885 (cited by Labcorp Genetics (formerly Invitae), Labcorp); PubMed 12632325 (cited by 4 submitters); PubMed 19793655 (cited by 5 submitters); PubMed 21396098 (cited by 4 submitters); PubMed 21399986 (cited by 3 submitters); PubMed 27708273 (cited by 4 submitters); PubMed 19206170 (cited by 4 submitters).